The following is an entry in ClinVar:

ClinVar aggregate classification (germline): Uncertain significance. Review status: criteria provided, multiple submitters, no conflicts (2 of 4 stars). 2 submissions from 2 submitters: Uncertain significance (2). Last evaluated 2026-05-06.

Conditions:
Inborn genetic diseases. Identifiers: MedGen C0950123, MeSH D030342.
LTBP4-related disorder. Also called: LTBP4-related condition.

gnomAD v4.1: 3 of 1,606,078 alleles (0.00019%); highest among the groups gnomAD compares: Non-Finnish European, 0.00025%; no homozygotes.

Submissions (2):

PreventionGenetics, part of Exact Sciences
Classification: Uncertain significance for LTBP4-related condition. Last evaluated: 2026-05-06. Review status: criteria provided, single submitter. Criteria: ACMG Guidelines, 2015. Collection method: clinical testing. Allele origin: germline.
Comment: The LTBP4 c.496A>C variant is predicted to result in the amino acid substitution p.Thr166Pro. To our knowledge, this variant has not been reported in the literature or in a large population database (gnomAD), indicating this variant is rare. At this time, the clinical significance of this variant is uncertain due to the absence of conclusive functional and genetic evidence.

Ambry Genetics
Classification: Uncertain significance for Inborn genetic diseases. Last evaluated: 2025-11-26. Review status: criteria provided, single submitter. Criteria: Ambry Variant Classification Scheme 2023. Collection method: clinical testing. Allele origin: germline.

NM_001042545.2(LTBP4):c.406A>C (p.Thr136Pro)

Gene: LTBP4 (latent transforming growth factor beta binding protein 4; plus strand). Cytogenetic location: 19q13.2.
Variant type: single nucleotide variant.
Coding change: c.406A>C on transcript NM_001042545.2 (MANE Select); coding-DNA position 406, A replaced by C.
Protein change: p.Thr136Pro; replaces threonine 136 with proline.
Molecular consequence: missense variant.
Genome position (GRCh38, 1-based): chr19:40,605,190, A>C. VCF-style: chr19-40605190-A-C. GRCh37 (hg19) VCF-style: chr19-41111096-A-C.
Other names: c.607A>C, p.Thr203Pro (NM_001042544.1); c.496A>C, p.Thr166Pro (NM_003573.2); short protein forms T166P, T203P, T136P.
Identifiers: ClinVar variation 4624033 (VCV004624033.2).